The following is an entry in ClinVar:

ClinVar aggregate classification (germline): Pathogenic. Review status: criteria provided, single submitter (1 of 4 stars). 2 submissions from 2 submitters: Pathogenic (1). 1 of the submissions does not count toward it. Last evaluated 2023-05-16.

Conditions:
Primary ciliary dyskinesia. Also called: Ciliary dyskinesia. Identifiers: Orphanet 244, MedGen C0008780, MONDO:0016575, HP:0012265.

Submissions (2):

Labcorp Genetics (formerly Invitae), Labcorp
Classification: Pathogenic for Primary ciliary dyskinesia. Last evaluated: 2023-05-16. Review status: criteria provided, single submitter. Criteria: Invitae Variant Classification Sherloc (09022015). Collection method: clinical testing. Allele origin: germline.
Comment: ClinVar contains an entry for this variant (Variation ID: 454796). This premature translational stop signal has been observed in individual(s) with clinical features of primary ciliary dyskinesia (PMID: 30067075). This variant is not present in population databases (gnomAD no frequency). This sequence change creates a premature translational stop signal (p.Asp2311Glyfs*14) in the DNAH5 gene. It is expected to result in an absent or disrupted protein product. Loss-of-function variants in DNAH5 are known to be pathogenic (PMID: 11788826, 16627867). For these reasons, this variant has been classified as Pathogenic.

Yale Center for Mendelian Genomics, Yale University
Classification: Likely pathogenic for Primary ciliary dyskinesia. Last evaluated: 2018-08-01. Review status: no assertion criteria provided. Collection method: literature only. Allele origin: germline. Affected: yes. Observed: 1 compound heterozygote. Study: Yale Center for Mendelian Genomics. Not counted in ClinVar's aggregate classification.

Literature cited by the submitters: PubMed 30067075 (cited by Labcorp Genetics (formerly Invitae), Labcorp and Yale Center for Mendelian Genomics, Yale University); PubMed 11788826 (cited by Labcorp Genetics (formerly Invitae), Labcorp); PubMed 16627867 (cited by Labcorp Genetics (formerly Invitae), Labcorp).

NM_001369.3(DNAH5):c.6932_6935del (p.Asp2311fs)

Gene: DNAH5 (dynein axonemal heavy chain 5; minus strand). Cytogenetic location: 5p15.2.
Variant type: Deletion.
Coding change: c.6932_6935del on transcript NM_001369.3 (MANE Select); coding-DNA positions 6932 to 6935, 4 bases deleted (ACTG; older notation c.6932_6935delACTG).
Protein change: p.Asp2311fs; shifts the reading frame from aspartic acid 2311.
Molecular consequence: frameshift variant.
Genome position (GRCh38, 1-based): chr5:13,817,601-13,817,604, CAGT deleted on the plus strand (ACTG on the coding strand, the reverse complement: DNAH5 is on the minus strand); deleting any 4 consecutive bases within chr5:13,817,601-13,817,606 gives the same sequence; the c. name uses the placement nearest the transcript's 3' end. VCF-style (leftmost placement, unchanged base first): chr5-13817600-CCAGT-C. GRCh37 (hg19) VCF-style: chr5-13817709-CCAGT-C.
Other names: c.6932_6935delACTG (NM_001369.2); short protein forms D2311fs.
Identifiers: ClinVar variation 454796 (VCV000454796.8), dbSNP rs1554062097, ClinGen allele CA658655859.
Genomic context (GRCh38, chr5:13,817,600, plus strand): 5'-TCTTCTACCTTTCTTTGCTCTTAATGTTTTCCTCCAAAGCGTAGAAAATATCCCATCAGT[CCAGT>C]CATTTGTGGCAACGTCCAGCCGACCAAACATCTGTGGGGCAGTAATCGCTTTGGGATTCA-3'